The following is an entry in ClinVar:

ClinVar aggregate classification (germline): Uncertain significance (1 of 4 stars; one submission).

Conditions:
Cohen syndrome (COH1). Also called: PEPPER SYNDROME; Cutis verticis gyrata, retinitis pigmentosa, and sensorineural deafness. Identifiers: Orphanet 193, MedGen C0265223, MONDO:0008999, OMIM 216550.

Allele frequency attached by ClinVar (database versions not stated): TOPMed below 0.00001.
gnomAD v4.1: 3 of 1,613,554 alleles (0.00019%); highest among the groups gnomAD compares: African/African-American, 0.0013%; no homozygotes.

Submission:

Labcorp Genetics (formerly Invitae), Labcorp
Classification: Uncertain significance for Cohen syndrome. Last evaluated: 2021-12-22. Review status: criteria provided, single submitter. Criteria: Invitae Variant Classification Sherloc (09022015). Collection method: clinical testing. Allele origin: germline.
Comment: This sequence change replaces methionine, which is neutral and non-polar, with threonine, which is neutral and polar, at codon 437 of the VPS13B protein (p.Met437Thr). This variant is not present in population databases (gnomAD no frequency). This variant has not been reported in the literature in individuals affected with VPS13B-related conditions. Algorithms developed to predict the effect of missense changes on protein structure and function are either unavailable or do not agree on the potential impact of this missense change (SIFT: "Not Available"; PolyPhen-2: "Benign"; Align-GVGD: "Not Available"). In summary, the available evidence is currently insufficient to determine the role of this variant in disease. Therefore, it has been classified as a Variant of Uncertain Significance.

NM_152564.5(VPS13B):c.1310T>C (p.Met437Thr)

Gene: VPS13B (vacuolar protein sorting 13 homolog B; plus strand). Cytogenetic location: 8q22.2.
Variant type: single nucleotide variant.
Coding change: c.1310T>C on transcript NM_152564.5 (MANE Select); coding-DNA position 1310, T replaced by C.
Protein change: p.Met437Thr; replaces methionine 437 with threonine.
Molecular consequence: missense variant.
Genome position (GRCh38, 1-based): chr8:99,135,022, T>C. VCF-style: chr8-99135022-T-C. GRCh37 (hg19) VCF-style: chr8-100147250-T-C.
Other names: c.1310T>C, p.Met437Thr (NM_017890.5, NM_015243.3); short protein forms M437T.
Identifiers: ClinVar variation 2159282 (VCV002159282.1), dbSNP rs1810002408, ClinGen allele CA371862643.